The following is an entry in ClinVar:

NM_001330078.2(NRXN1):c.3682G>A (p.Val1228Met)

Gene: NRXN1 (neurexin 1; minus strand). Cytogenetic location: 2p16.3.
Variant type: single nucleotide variant.
Coding change: c.3682G>A on transcript NM_001330078.2 (MANE Select); coding-DNA position 3682, G replaced by A.
Protein change: p.Val1228Met; replaces valine 1228 with methionine.
Molecular consequence: missense variant.
Genome position (GRCh38, 1-based): chr2:50,091,359, C>T on the plus strand (G>A on the coding strand, the complement: NRXN1 is on the minus strand). VCF-style: chr2-50091359-C-T. GRCh37 (hg19) VCF-style: chr2-50318497-C-T.
Other names: c.3802G>A, p.Val1268Met (NM_001135659.3); c.3658G>A, p.Val1220Met (NM_001330077.2, NM_001330082.2); c.3616G>A, p.Val1206Met (NM_001330083.2, NM_001330084.2); c.3655G>A, p.Val1219Met (NM_001330085.2); c.3682G>A, p.Val1228Met (NM_001330086.2, NM_004801.6); c.3571G>A, p.Val1191Met (NM_001330087.2, NM_001330096.2); c.3601G>A, p.Val1201Met (NM_001330088.2); c.577G>A, p.Val193Met (NM_001330091.2, NM_001330092.2, NM_001330097.2 and 1 more transcripts); and 3 more; short protein forms V1191M, V1227M, V1201M, V1206M, V1211M, V1268M, V193M, V1219M.
Identifiers: ClinVar variation 1444726 (VCV001444726.8), dbSNP rs2152697183, ClinGen allele CA346819016.

ClinVar aggregate classification (germline): Uncertain significance (1 of 4 stars; one submission).

Conditions:
Pitt-Hopkins-like syndrome 2 (PTHSL2). Identifiers: Orphanet 221150, Orphanet 600663, MedGen C3280479, MONDO:0013690, OMIM 614325.

gnomAD v4.1: 2 of 1,614,218 alleles (0.00012%); highest among the groups gnomAD compares: Non-Finnish European, 0.00017%; no homozygotes.

Submission:

Labcorp Genetics (formerly Invitae), Labcorp
Classification: Uncertain significance for Pitt-Hopkins-like syndrome 2. Last evaluated: 2023-03-03. Review status: criteria provided, single submitter. Criteria: Invitae Variant Classification Sherloc (09022015). Collection method: clinical testing. Allele origin: germline.
Comment: This variant is not present in population databases (gnomAD no frequency). This sequence change replaces valine, which is neutral and non-polar, with methionine, which is neutral and non-polar, at codon 1268 of the NRXN1 protein (p.Val1268Met). This variant has not been reported in the literature in individuals affected with NRXN1-related conditions. ClinVar contains an entry for this variant (Variation ID: 1444726). Advanced modeling of protein sequence and biophysical properties (such as structural, functional, and spatial information, amino acid conservation, physicochemical variation, residue mobility, and thermodynamic stability) has been performed at Invitae for this missense variant, however the output from this modeling did not meet the statistical confidence thresholds required to predict the impact of this variant on NRXN1 protein function. In summary, the available evidence is currently insufficient to determine the role of this variant in disease. Therefore, it has been classified as a Variant of Uncertain Significance.